The following is an entry in ClinVar:

NM_001453.3(FOXC1):c.61G>T (p.Gly21Cys)

Gene: FOXC1 (forkhead box C1; plus strand). Cytogenetic location: 6p25.3.
Variant type: single nucleotide variant.
Coding change: c.61G>T on transcript NM_001453.3 (MANE Select); coding-DNA position 61, G replaced by T.
Protein change: p.Gly21Cys; replaces glycine 21 with cysteine.
Molecular consequence: missense variant.
Genome position (GRCh38, 1-based): chr6:1,610,506, G>T. VCF-style: chr6-1610506-G-T. GRCh37 (hg19) VCF-style: chr6-1610741-G-T.
Other names: short protein forms G21C.
Identifiers: ClinVar variation 1377970 (VCV001377970.6), dbSNP rs932770511, ClinGen allele CA362557992.

ClinVar aggregate classification (germline): Uncertain significance (1 of 4 stars; one submission).

Conditions:
Axenfeld-Rieger syndrome type 3 (RIEG3). Also called: AXENFELD-RIEGER ANOMALY WITH CARDIAC DEFECTS AND/OR SENSORINEURAL HEARING LOSS. Identifiers: Orphanet 782, MedGen C2678503, MONDO:0011233, OMIM 602482.

Submission:

Labcorp Genetics (formerly Invitae), Labcorp
Classification: Uncertain significance for Axenfeld-Rieger syndrome type 3. Last evaluated: 2024-10-29. Review status: criteria provided, single submitter. Criteria: Invitae Variant Classification Sherloc (09022015). Collection method: clinical testing. Allele origin: germline.
Comment: This sequence change replaces glycine, which is neutral and non-polar, with cysteine, which is neutral and slightly polar, at codon 21 of the FOXC1 protein (p.Gly21Cys). This variant is not present in population databases (gnomAD no frequency). This variant has not been reported in the literature in individuals affected with FOXC1-related conditions. ClinVar contains an entry for this variant (Variation ID: 1377970). An algorithm developed to predict the effect of missense changes on protein structure and function (PolyPhen-2) suggests that this variant is likely to be disruptive. In summary, the available evidence is currently insufficient to determine the role of this variant in disease. Therefore, it has been classified as a Variant of Uncertain Significance.